The following is an entry in ClinVar:

ClinVar aggregate classification (germline): Likely benign (0 of 4 stars; one submission).

Conditions:
SRA1-related disorder. Also called: SRA1-related condition.

Allele frequency attached by ClinVar (database versions not stated): ExAC 0.00046; ESP Exome Variant Server 0.00154; gnomAD 0.00157; TOPMed 0.00161; 1000 Genomes Project 0.00240; 1000 Genomes Project 30x 0.00250.
gnomAD v4.1: 392 of 1,604,598 alleles (0.024%); highest among the groups gnomAD compares: African/African-American, 0.5%; no homozygotes.

Submission:

PreventionGenetics, part of Exact Sciences
Classification: Likely benign for SRA1-related condition. Last evaluated: 2019-10-28. Review status: no assertion criteria provided. Collection method: clinical testing. Allele origin: germline.
Comment: This variant is classified as likely benign based on ACMG/AMP sequence variant interpretation guidelines (Richards et al. 2015 PMID: 25741868, with internal and published modifications).

NM_001035235.4(SRA1):c.314C>T (p.Pro105Leu)

Gene: SRA1 (steroid receptor RNA activator 1; minus strand). Cytogenetic location: 5q31.3.
Variant type: single nucleotide variant.
Coding change: c.314C>T on transcript NM_001035235.4 (MANE Select); coding-DNA position 314, C replaced by T.
Protein change: p.Pro105Leu; replaces proline 105 with leucine.
Molecular consequence: missense variant. On other transcripts: non-coding transcript variant (2), intron variant (1).
Genome position (GRCh38, 1-based): chr5:140,552,022, G>A on the plus strand (C>T on the coding strand, the complement: SRA1 is on the minus strand). VCF-style: chr5-140552022-G-A. GRCh37 (hg19) VCF-style: chr5-139931607-G-A.
Other names: c.307-853C>T (NM_001253764.2); short protein forms P105L.
Identifiers: ClinVar variation 3040039 (VCV003040039.2), dbSNP rs115569414, ClinGen allele CA3440574.